The following is an entry in ClinVar:

ClinVar aggregate classification (germline): Uncertain significance (1 of 4 stars; one submission).

Allele frequency attached by ClinVar (database versions not stated): ExAC 0.00001; TOPMed 0.00002; gnomAD 0.00001; gnomAD exomes below 0.00001.
gnomAD v4.1: 8 of 1,614,080 alleles (0.0005%); highest among the groups gnomAD compares: South Asian, 0.0011%; no homozygotes.

Submission:

Labcorp Genetics (formerly Invitae), Labcorp
Classification: Uncertain significance. Last evaluated: 2022-06-20. Review status: criteria provided, single submitter. Criteria: Invitae Variant Classification Sherloc (09022015). Collection method: clinical testing. Allele origin: germline.
Comment: This sequence change replaces asparagine with serine at codon 459 of the ADAMTS18 protein (p.Asn459Ser). The asparagine residue is highly conserved and there is a small physicochemical difference between asparagine and serine. This variant is present in population databases (rs747009663, gnomAD 0.0009%). This variant has not been reported in the literature in individuals affected with ADAMTS18-related conditions. Algorithms developed to predict the effect of missense changes on protein structure and function output the following: SIFT: "Not Available"; PolyPhen-2: "Benign"; Align-GVGD: "Not Available". The serine amino acid residue is found in multiple mammalian species, which suggests that this missense change does not adversely affect protein function. In summary, the available evidence is currently insufficient to determine the role of this variant in disease. Therefore, it has been classified as a Variant of Uncertain Significance.

NM_199355.4(ADAMTS18):c.1376A>G (p.Asn459Ser)

Gene: ADAMTS18 (ADAM metallopeptidase with thrombospondin type 1 motif 18; minus strand). Cytogenetic location: 16q23.1.
Variant type: single nucleotide variant.
Coding change: c.1376A>G on transcript NM_199355.4 (MANE Select); coding-DNA position 1376, A replaced by G.
Protein change: p.Asn459Ser; replaces asparagine 459 with serine.
Molecular consequence: missense variant.
Genome position (GRCh38, 1-based): chr16:77,356,024, T>C on the plus strand (A>G on the coding strand, the complement: ADAMTS18 is on the minus strand). VCF-style: chr16-77356024-T-C. GRCh37 (hg19) VCF-style: chr16-77389921-T-C.
Other names: c.860A>G, p.Asn287Ser (NM_001326358.2); short protein forms N459S, N287S.
Identifiers: ClinVar variation 1365329 (VCV001365329.5), dbSNP rs747009663, ClinGen allele CA8181344.